The following is an entry in ClinVar:

ClinVar aggregate classification (germline): Conflicting classifications of pathogenicity. Review status: criteria provided, conflicting classifications (1 of 4 stars). 6 submissions from 6 submitters: Uncertain significance (5); Likely benign (1). Last evaluated 2026-01-21.

Conditions:
Hereditary cancer-predisposing syndrome. Also called: Tumor predisposition; Hereditary neoplastic syndrome; Neoplastic Syndromes, Hereditary; Hereditary Cancer Syndrome. Identifiers: Orphanet 140162, MedGen C0027672, MeSH D009386, MONDO:0015356.
Hereditary breast ovarian cancer syndrome. Also called: Hereditary breast and ovarian cancer syndrome; Hereditary breast and/or ovarian cancer syndrome; Hereditary breast and ovarian cancer; Breast and ovarian cancer; Hereditary breast and ovarian cancer syndrome (HBOC); BRCA1- and BRCA2-Associated Hereditary Breast and Ovarian Cancer. Identifiers: Orphanet 145, MedGen C0677776, MeSH D061325, MONDO:0003582. Disease mechanism: loss of function.

Submissions (6):

Labcorp Genetics (formerly Invitae), Labcorp
Classification: Uncertain significance for Hereditary breast ovarian cancer syndrome. Last evaluated: 2026-01-21. Review status: criteria provided, single submitter. Criteria: Invitae Variant Classification Sherloc (09022015). Collection method: clinical testing. Allele origin: germline.
Comment: This sequence change replaces leucine, which is neutral and non-polar, with phenylalanine, which is neutral and non-polar, at codon 1768 of the BRCA2 protein (p.Leu1768Phe). This variant is not present in population databases (gnomAD no frequency). This variant has not been reported in the literature in individuals affected with BRCA2-related conditions. ClinVar contains an entry for this variant (Variation ID: 1428401). Invitae Evidence Modeling of protein sequence and biophysical properties (such as structural, functional, and spatial information, amino acid conservation, physicochemical variation, residue mobility, and thermodynamic stability) indicates that this missense variant is not expected to disrupt BRCA2 protein function with a negative predictive value of 95%. In summary, the available evidence is currently insufficient to determine the role of this variant in disease. Therefore, it has been classified as a Variant of Uncertain Significance.

Institute for Biomarker Research, Medical Diagnostic Laboratories, L.L.C.
Classification: Uncertain significance for Hereditary breast ovarian cancer syndrome. Last evaluated: 2025-10-17. Review status: criteria provided, single submitter. Criteria: ACMG Guidelines, 2015. Collection method: clinical testing. Allele origin: germline.
Comment: The missense variant NM_000059.4(BRCA2):c.5302C>T (p.Leu1768Phe) has not been reported previously as a pathogenic variant, to our knowledge. There is a small physicochemical difference between leucine and phenylalanine, which is not likely to impact secondary protein structure as these residues share similar properties. The gene BRCA2 has a low rate of benign missense variation as indicated by a high missense variants Z-Score of 1.00.The p.Leu1768Phe variant is not predicted to introduce a novel splice site by any splice site algorithm. The p.Leu1768Phe missense variant is predicted to be tolerated by both SIFT or PolyPhen2. The nucleotide c.5302 in BRCA2 is not conserved according to a GERP++ and PhyloP analysis of 100 vertebrates. For these reasons, this variant has been classified as Uncertain Significance.

Ambry Genetics
Classification: Uncertain significance for Hereditary cancer-predisposing syndrome. Last evaluated: 2025-07-16. Review status: criteria provided, single submitter. Criteria: Ambry Variant Classification Scheme 2023. Collection method: clinical testing. Allele origin: germline.
Comment: The p.L1768F variant (also known as c.5302C>T), located in coding exon 10 of the BRCA2 gene, results from a C to T substitution at nucleotide position 5302. The leucine at codon 1768 is replaced by phenylalanine, an amino acid with highly similar properties. This amino acid position is conserved. In addition, this alteration is predicted to be tolerated by in silico analysis. Since supporting evidence is limited at this time, the clinical significance of this alteration remains unclear.

GeneDx
Classification: Uncertain significance. Last evaluated: 2024-09-01. Review status: criteria provided, single submitter. Criteria: GeneDx Variant Classification Process June 2021. Collection method: clinical testing. Allele origin: germline. Affected: yes.
Comment: Not observed at significant frequency in large population cohorts (gnomAD); In silico analysis indicates that this missense variant does not alter protein structure/function; Has not been previously published as pathogenic or benign to our knowledge; Also known as 5530C>T

Color Diagnostics, LLC DBA Color Health
Classification: Uncertain significance for Hereditary cancer-predisposing syndrome. Last evaluated: 2023-12-04. Review status: criteria provided, single submitter. Criteria: ACMG Guidelines, 2015. Collection method: clinical testing. Allele origin: germline.
Comment: This missense variant replaces leucine with phenylalanine at codon 1768 of the BRCA2 protein. Computational prediction suggests that this variant may not impact protein structure and function. To our knowledge, functional studies have not been reported for this variant. This variant has not been reported in individuals affected with BRCA2-related disorders in the literature. This variant has not been identified in the general population by the Genome Aggregation Database (gnomAD). The available evidence is insufficient to determine the role of this variant in disease conclusively. Therefore, this variant is classified as a Variant of Uncertain Significance.

University of Washington Department of Laboratory Medicine, University of Washington
Classification: Likely benign for Hereditary cancer-predisposing syndrome. Last evaluated: 2023-03-23. Review status: criteria provided, single submitter. Criteria: Dines et al. (Genet Med. 2020). Collection method: curation. Allele origin: germline.
Comment: Missense variant in a coldspot region where missense variants are very unlikely to be pathogenic (PMID:31911673).

BRCA2 exon 11 coldspot. Reclassification based on statistical prior probability.

NM_000059.4(BRCA2):c.5302C>T (p.Leu1768Phe)

Gene: BRCA2 (BRCA2 DNA repair associated; plus strand). Cytogenetic location: 13q13.1.
Variant type: single nucleotide variant.
Coding change: c.5302C>T on transcript NM_000059.4 (MANE Select); coding-DNA position 5302, C replaced by T.
Protein change: p.Leu1768Phe; replaces leucine 1768 with phenylalanine.
Molecular consequence: missense variant.
Genome position (GRCh38, 1-based): chr13:32,339,657, C>T. VCF-style: chr13-32339657-C-T. GRCh37 (hg19) VCF-style: chr13-32913794-C-T.
Other names: short protein forms L1768F.
Identifiers: ClinVar variation 1428401 (VCV001428401.14), dbSNP rs2137516131, ClinGen allele CA387784832.
Genomic context (GRCh38, chr13:32,339,657, plus strand): 5'-AGCTATTCCTACCATTCTGATGAGGTATATAATGATTCAGGATATCTCTCAAAAAATAAA[C>T]TTGATTCTGGTATTGAGCCAGTATTGAAGAATGTTGAAGATCAAAAAAACACTAGTTTTT-3'
Protein context (NP_000050.3, residues 1758-1778): NDSGYLSKNK[Leu1768Phe]DSGIEPVLKN